The following is an entry in ClinVar:

NM_138295.5(PKD1L1):c.4808T>C (p.Ile1603Thr)

Gene: PKD1L1 (polycystin 1 like 1, transient receptor potential channel interacting; minus strand). Cytogenetic location: 7p12.3.
Variant type: single nucleotide variant.
Coding change: c.4808T>C on transcript NM_138295.5 (MANE Select); coding-DNA position 4808, T replaced by C.
Protein change: p.Ile1603Thr; replaces isoleucine 1603 with threonine.
Molecular consequence: missense variant.
Genome position (GRCh38, 1-based): chr7:47,854,933, A>G on the plus strand (T>C on the coding strand, the complement: PKD1L1 is on the minus strand). VCF-style: chr7-47854933-A-G. GRCh37 (hg19) VCF-style: chr7-47894531-A-G.
Other names: short protein forms I1603T.
Identifiers: ClinVar variation 4988954 (VCV004988954.1).

ClinVar aggregate classification (germline): Uncertain significance (1 of 4 stars; one submission).

Conditions:
PKD1L1-related disorder. Also called: PKD1L1-related condition.

gnomAD v4.1: 49 of 1,613,990 alleles (0.003%); highest among the groups gnomAD compares: Non-Finnish European, 0.0038%; no homozygotes.

Submission:

PreventionGenetics, part of Exact Sciences
Classification: Uncertain significance for PKD1L1-related condition. Last evaluated: 2026-06-16. Review status: criteria provided, single submitter. Criteria: ACMG Guidelines, 2015. Collection method: clinical testing. Allele origin: germline.
Comment: The PKD1L1 c.4808T>C variant is predicted to result in the amino acid substitution p.Ile1603Thr. To our knowledge, this variant has not been reported in the literature. This variant is reported in 0.00088% of alleles in individuals of European (Non-Finnish) descent in gnomAD. At this time, the clinical significance of this variant is uncertain due to the absence of conclusive functional and genetic evidence.